The following is an entry in ClinVar:

ClinVar aggregate classification (germline): Uncertain significance. Review status: criteria provided, multiple submitters, no conflicts (2 of 4 stars). 2 submissions from 2 submitters: Uncertain significance (2). Last evaluated 2025-03-25.

Conditions:
Primary ciliary dyskinesia. Also called: Ciliary dyskinesia. Identifiers: Orphanet 244, MedGen C0008780, MONDO:0016575, HP:0012265.

Allele frequency attached by ClinVar (database versions not stated): gnomAD 0.00001; TOPMed 0.00001.
gnomAD v4.1: 38 of 1,593,410 alleles (0.0024%); highest among the groups gnomAD compares: Non-Finnish European, 0.0032%; no homozygotes.

Submissions (2):

GeneDx
Classification: Uncertain significance. Last evaluated: 2025-03-25. Review status: criteria provided, single submitter. Criteria: GeneDx Variant Classification Process June 2021. Collection method: clinical testing. Allele origin: germline. Affected: yes.
Comment: In silico analysis supports that this missense variant has a deleterious effect on protein structure/function; This variant is associated with the following publications: (PMID: 36484990)

Labcorp Genetics (formerly Invitae), Labcorp
Classification: Uncertain significance for Primary ciliary dyskinesia. Last evaluated: 2022-04-16. Review status: criteria provided, single submitter. Criteria: Invitae Variant Classification Sherloc (09022015). Collection method: clinical testing. Allele origin: germline.
Comment: This sequence change replaces methionine, which is neutral and non-polar, with valine, which is neutral and non-polar, at codon 4157 of the DNAH8 protein (p.Met4157Val). This variant is present in population databases (no rsID available, gnomAD 0.004%). This variant has not been reported in the literature in individuals affected with DNAH8-related conditions. ClinVar contains an entry for this variant (Variation ID: 1003345). Algorithms developed to predict the effect of missense changes on protein structure and function are either unavailable or do not agree on the potential impact of this missense change (SIFT: "Deleterious"; PolyPhen-2: "Not Available"; Align-GVGD: "Class C15"). In summary, the available evidence is currently insufficient to determine the role of this variant in disease. Therefore, it has been classified as a Variant of Uncertain Significance.

NM_001206927.2(DNAH8):c.12469A>G (p.Met4157Val)

Gene: DNAH8 (dynein axonemal heavy chain 8; plus strand). Cytogenetic location: 6p21.2.
Variant type: single nucleotide variant.
Coding change: c.12469A>G on transcript NM_001206927.2 (MANE Select); coding-DNA position 12469, A replaced by G.
Protein change: p.Met4157Val; replaces methionine 4157 with valine.
Molecular consequence: missense variant.
Genome position (GRCh38, 1-based): chr6:38,971,609, A>G. VCF-style: chr6-38971609-A-G. GRCh37 (hg19) VCF-style: chr6-38939385-A-G.
Other names: c.12469A>G (NM_001206927.1); c.11818A>G, p.Met3940Val (NM_001371.4); short protein forms M3940V, M4157V.
Identifiers: ClinVar variation 1003345 (VCV001003345.7), dbSNP rs1392416546, ClinGen allele CA364001964.